The following is an entry in ClinVar:

NM_005732.4(RAD50):c.576del (p.Arg193fs)

Gene: RAD50 (RAD50 double strand break repair protein; plus strand). Cytogenetic location: 5q31.1.
Variant type: Deletion.
Coding change: c.576del on transcript NM_005732.4 (MANE Select); coding-DNA position 576, one base deleted (T; older notation c.576delT).
Protein change: p.Arg193fs; shifts the reading frame from arginine 193.
Molecular consequence: frameshift variant.
Genome position (GRCh38, 1-based): chr5:132,579,886, T deleted; the last of 2 consecutive T bases (chr5:132,579,885-132,579,886); deleting either gives the same sequence. VCF-style (leftmost placement, unchanged base first): chr5-132579884-CT-C. GRCh37 (hg19) VCF-style: chr5-131915576-CT-C.
Other names: short protein forms R193fs.
Identifiers: ClinVar variation 825953 (VCV000825953.4), dbSNP rs1580987596, ClinGen allele CA915943537.

ClinVar aggregate classification (germline): Pathogenic (1 of 4 stars; one submission).

Conditions:
Hereditary cancer-predisposing syndrome. Also called: Neoplastic Syndromes, Hereditary; Tumor predisposition; Hereditary neoplastic syndrome; Hereditary Cancer Syndrome. Identifiers: Orphanet 140162, MedGen C0027672, MeSH D009386, MONDO:0015356.

Submission:

Ambry Genetics
Classification: Pathogenic for Hereditary cancer-predisposing syndrome. Last evaluated: 2019-05-28. Review status: criteria provided, single submitter. Criteria: Ambry Variant Classification Scheme 2023. Collection method: clinical testing. Allele origin: germline.
Comment: The c.576delT pathogenic mutation, located in coding exon 5 of the RAD50 gene, results from a deletion of one nucleotide at nucleotide position 576, causing a translational frameshift with a predicted alternate stop codon (p.R193Gfs*11). This alteration is expected to result in loss of function by premature protein truncation or nonsense-mediated mRNA decay. As such, this alteration is interpreted as a disease-causing mutation.